The following is an entry in ClinVar:

ClinVar aggregate classification (germline): Benign. Review status: criteria provided, multiple submitters, no conflicts (2 of 4 stars). 6 submissions from 6 submitters: Benign (5). 1 of the submissions does not count toward it. Last evaluated 2026-01-27.

Conditions:
Renal hypomagnesemia 4. Also called: HYPOMAGNESEMIA, RENAL, NORMOCALCIURIC. Identifiers: Orphanet 34527, MedGen C2673648, MONDO:0012717, OMIM 611718.
EGF-related disorder. Also called: EGF-related condition.

Allele frequency attached by ClinVar (database versions not stated): gnomAD exomes 0.00680; ExAC 0.00789; 1000 Genomes Project 0.01977; 1000 Genomes Project 30x 0.01983; gnomAD 0.02339 and 0.02517; TOPMed 0.02701; ESP Exome Variant Server 0.02737.
gnomAD v4.1: 7,474 of 1,613,888 alleles (0.46%); highest among the groups gnomAD compares: African/African-American, 7.9%; 256 homozygotes.

Submissions (6):

Labcorp Genetics (formerly Invitae), Labcorp
Classification: Benign. Last evaluated: 2026-01-27. Review status: criteria provided, single submitter. Criteria: Invitae Variant Classification Sherloc (09022015). Collection method: clinical testing. Allele origin: germline.

Mayo Clinic Laboratories, Mayo Clinic
Classification: Benign. Last evaluated: 2023-04-03. Review status: criteria provided, single submitter. Criteria: ACMG Guidelines, 2015. Collection method: clinical testing. Allele origin: germline. Observed: 2 variant alleles.

GeneDx
Classification: Benign. Last evaluated: 2020-04-02. Review status: criteria provided, single submitter. Criteria: GeneDx Variant Classification Process June 2021. Collection method: clinical testing. Allele origin: germline. Affected: yes.

Illumina Laboratory Services, Illumina
Classification: Benign for Renal hypomagnesemia 4. Last evaluated: 2018-01-13. Review status: criteria provided, single submitter. Criteria: ICSL Variant Classification Criteria 13 December 2019. Collection method: clinical testing. Allele origin: germline.
Comment: This variant was observed in the ICSL laboratory as part of a predisposition screen in an ostensibly healthy population. It had not been previously curated by ICSL or reported in the Human Gene Mutation Database (HGMD: prior to June 1st, 2018), and was therefore a candidate for classification through an automated scoring system. Utilizing variant allele frequency, disease prevalence and penetrance estimates, and inheritance mode, an automated score was calculated to assess if this variant is too frequent to cause the disease. Based on the score and internal cut-off values, a variant classified as benign is not then subjected to further curation. The score for this variant resulted in a classification of benign for this disease.

Breakthrough Genomics
Classification: Benign. Review status: criteria provided, single submitter. Criteria: ACMG Guidelines, 2015. Collection method: not provided. Allele origin: germline. Inheritance: Autosomal recessive inheritance. Affected: yes.

PreventionGenetics, part of Exact Sciences
Classification: Benign for EGF-related condition. Last evaluated: 2019-09-24. Review status: no assertion criteria provided. Collection method: clinical testing. Allele origin: germline. Not counted in ClinVar's aggregate classification.
Comment: This variant is classified as benign based on ACMG/AMP sequence variant interpretation guidelines (Richards et al. 2015 PMID: 25741868, with internal and published modifications).

NM_001963.6(EGF):c.264C>T (p.Ile88=)

Gene: EGF (epidermal growth factor; plus strand). Cytogenetic location: 4q25.
Variant type: single nucleotide variant.
Coding change: c.264C>T on transcript NM_001963.6 (MANE Select); coding-DNA position 264, C replaced by T.
Protein change: p.Ile88=; no amino-acid change (isoleucine 88 retained).
Molecular consequence: synonymous variant.
Genome position (GRCh38, 1-based): chr4:109,941,082, C>T. VCF-style: chr4-109941082-C-T. GRCh37 (hg19) VCF-style: chr4-110862238-C-T.
Other names: p.Ile88=; c.264C>T, p.Ile88= (NM_001178130.3, NM_001178131.3, NM_001357021.2).
Identifiers: ClinVar variation 347226 (VCV000347226.18), dbSNP rs11568885, ClinGen allele CA3043384.